The following is an entry in ClinVar:

NM_130797.4(DPP6):c.680+6A>G

Gene: DPP6 (dipeptidyl peptidase like 6; plus strand). Cytogenetic location: 7q36.2.
Variant type: single nucleotide variant.
Coding change: c.680+6A>G on transcript NM_130797.4 (MANE Select); 6 bases into the intron after coding-DNA position 680, A replaced by G.
Molecular consequence: intron variant.
Genome position (GRCh38, 1-based): chr7:154,637,879, A>G. VCF-style: chr7-154637879-A-G. GRCh37 (hg19) VCF-style: chr7-154429589-A-G.
Other names: c.497+6A>G (NM_001364500.2, NM_001364499.2, NM_001364497.2 and 1 more transcripts); c.488+6A>G (NM_001364501.2, NM_001039350.3); c.494+6A>G (NM_001936.5); c.441+70963A>G (NM_001290252.2).
Identifiers: ClinVar variation 2658260 (VCV002658260.24), dbSNP rs2488600333, ClinGen allele CA2685748685.
Genomic context (GRCh38, chr7:154,637,879, plus strand): 5'-AGATATATCAACACTCGTATACTGGATATTACGTCCTGAGCAAAATTCCTCATGGGTAAG[A>G]GTGTTCTTTTCTTTCTTTTAATTAGAAATATGCAGGGCAAAGTGAAGGGTAGAACATGGA-3'

ClinVar aggregate classification (germline): Uncertain significance (1 of 4 stars; one submission).

Allele frequency attached by ClinVar (database versions not stated): gnomAD exomes below 0.00001.
gnomAD v4.1: 2 of 1,569,308 alleles (0.00013%); highest among the groups gnomAD compares: Middle Eastern, 0.017%; no homozygotes.

Submission:

CeGaT Center for Human Genetics Tuebingen
Classification: Uncertain significance. Last evaluated: 2022-07-01. Review status: criteria provided, single submitter. Criteria: CeGaT Center For Human Genetics Tuebingen Variant Classification Criteria Version 2. Collection method: clinical testing. Allele origin: germline. Affected: yes. Observed: 1 variant allele.
Comment: DPP6: PM2, BP4